The following is an entry in ClinVar:

ClinVar aggregate classification (germline): Uncertain significance (1 of 4 stars; one submission).

gnomAD v4.1: 8 of 1,609,734 alleles (0.0005%); highest among the groups gnomAD compares: Non-Finnish European, 0.00034%; no homozygotes.

Submission:

Labcorp Genetics (formerly Invitae), Labcorp
Classification: Uncertain significance. Last evaluated: 2021-08-14. Review status: criteria provided, single submitter. Criteria: Invitae Variant Classification Sherloc (09022015). Collection method: clinical testing. Allele origin: germline.
Comment: In summary, the available evidence is currently insufficient to determine the role of this variant in disease. Therefore, it has been classified as a Variant of Uncertain Significance. Algorithms developed to predict the effect of missense changes on protein structure and function are either unavailable or do not agree on the potential impact of this missense change (SIFT: "Deleterious"; PolyPhen-2: "Benign"; Align-GVGD: "Class C15"). This variant has not been reported in the literature in individuals affected with COL13A1-related conditions. This variant is present in population databases (rs141069345, ExAC 0.002%). This sequence change replaces serine with phenylalanine at codon 147 of the COL13A1 protein (p.Ser147Phe). The serine residue is weakly conserved and there is a large physicochemical difference between serine and phenylalanine.

NM_001368882.1(COL13A1):c.467C>T (p.Ser156Phe)

Gene: COL13A1 (collagen type XIII alpha 1 chain; plus strand). Cytogenetic location: 10q22.1.
Variant type: single nucleotide variant.
Coding change: c.467C>T on transcript NM_001368882.1 (MANE Select); coding-DNA position 467, C replaced by T.
Protein change: p.Ser156Phe; replaces serine 156 with phenylalanine.
Molecular consequence: missense variant. On other transcripts: 5 prime UTR variant (1), intron variant (5).
Genome position (GRCh38, 1-based): chr10:69,880,507, C>T. VCF-style: chr10-69880507-C-T. GRCh37 (hg19) VCF-style: chr10-71640263-C-T.
Other names: c.440C>T, p.Ser147Phe (NM_001130103.2, NM_080800.4, NM_080801.4 and 1 more transcripts); c.467C>T, p.Ser156Phe (NM_001320951.2, NM_001368884.1); c.431C>T, p.Ser144Phe (NM_001368883.1, NM_001368885.1); c.-134C>T (NM_001368886.1); c.377C>T, p.Ser126Phe (NM_001368895.1); c.400-6949C>T (NM_080805.4, NM_001368897.1); c.373-6949C>T (NM_001368898.1, NM_080798.4, NM_001368896.1); short protein forms S144F, S126F, S156F, S147F.
Identifiers: ClinVar variation 1356499 (VCV001356499.6), dbSNP rs141069345, ClinGen allele CA5534174.